The following is an entry in ClinVar:

NM_001184.4(ATR):c.2662G>T (p.Ala888Ser)

Gene: ATR (ATR checkpoint kinase; minus strand). Cytogenetic location: 3q23.
Variant type: single nucleotide variant.
Coding change: c.2662G>T on transcript NM_001184.4 (MANE Select); coding-DNA position 2662, G replaced by T.
Protein change: p.Ala888Ser; replaces alanine 888 with serine.
Molecular consequence: missense variant.
Genome position (GRCh38, 1-based): chr3:142,553,370, C>A on the plus strand (G>T on the coding strand, the complement: ATR is on the minus strand). VCF-style: chr3-142553370-C-A. GRCh37 (hg19) VCF-style: chr3-142272212-C-A.
Other names: c.2470G>T, p.Ala824Ser (NM_001354579.2); c.2662G>T (NM_001184.3); short protein forms A824S, A888S.
Identifiers: ClinVar variation 2833065 (VCV002833065.4), dbSNP rs1559988588, ClinGen allele CA354814847.
Genomic context (GRCh38, chr3:142,553,370, plus strand): 5'-ATGCTGCTCCAGAGACAGATGCTGACTTGGATAACAAACAATGCAATAAGTGTAAGAGTG[C>A]AAATGGTACCAAATCTCCTTTTGCGGCCCTAAAATTAAAAACAACATACATATGAATACA-3'
Protein context (NP_001175.2, residues 878-898): RAAKGDLVPF[Ala888Ser]LLHLLHCLLS

ClinVar aggregate classification (germline): Uncertain significance. Review status: criteria provided, multiple submitters, no conflicts (2 of 4 stars). 2 submissions from 2 submitters: Uncertain significance (2). Last evaluated 2025-08-04.

Conditions:
Inborn genetic diseases. Identifiers: MedGen C0950123, MeSH D030342.

Allele frequency attached by ClinVar (database versions not stated): gnomAD exomes below 0.00001.
gnomAD v4.1: 2 of 1,613,742 alleles (0.00012%); highest among the groups gnomAD compares: Non-Finnish European, 0.00017%; no homozygotes.

Submissions (2):

Ambry Genetics
Classification: Uncertain significance for Inborn genetic diseases. Last evaluated: 2025-08-04. Review status: criteria provided, single submitter. Criteria: Ambry Variant Classification Scheme 2023. Collection method: clinical testing. Allele origin: germline.

Labcorp Genetics (formerly Invitae), Labcorp
Classification: Uncertain significance. Last evaluated: 2023-01-31. Review status: criteria provided, single submitter. Criteria: Invitae Variant Classification Sherloc (09022015). Collection method: clinical testing. Allele origin: germline.
Comment: This sequence change replaces alanine, which is neutral and non-polar, with serine, which is neutral and polar, at codon 888 of the ATR protein (p.Ala888Ser). This variant is not present in population databases (gnomAD no frequency). This variant has not been reported in the literature in individuals affected with ATR-related conditions. Algorithms developed to predict the effect of missense changes on protein structure and function (SIFT, PolyPhen-2, Align-GVGD) all suggest that this variant is likely to be tolerated. In summary, the available evidence is currently insufficient to determine the role of this variant in disease. Therefore, it has been classified as a Variant of Uncertain Significance.